The following is an entry in ClinVar:

NM_002474.3(MYH11):c.3848A>G (p.His1283Arg)

Gene: MYH11 (myosin heavy chain 11; minus strand). Cytogenetic location: 16p13.11.
Variant type: single nucleotide variant.
Coding change: c.3848A>G on transcript NM_002474.3 (MANE Select); coding-DNA position 3848, A replaced by G.
Protein change: p.His1283Arg; replaces histidine 1283 with arginine.
Molecular consequence: missense variant.
Genome position (GRCh38, 1-based): chr16:15,726,858, T>C on the plus strand (A>G on the coding strand, the complement: MYH11 is on the minus strand). VCF-style: chr16-15726858-T-C. GRCh37 (hg19) VCF-style: chr16-15820715-T-C.
Other names: c.3869A>G, p.His1290Arg (NM_001040113.2, NM_001040114.2); c.3848A>G, p.His1283Arg (NM_022844.3); short protein forms H1283R, H1290R.
Identifiers: ClinVar variation 3387193 (VCV003387193.2).

ClinVar aggregate classification (germline): Uncertain significance. Review status: criteria provided, multiple submitters, no conflicts (2 of 4 stars). 2 submissions from 2 submitters: Uncertain significance (2). Last evaluated 2024-04-07.

Conditions:
Familial thoracic aortic aneurysm and aortic dissection (TAAD). Also called: Thoracic aortic aneurysms and dissections. Identifiers: Orphanet 91387, MedGen C4707243, MONDO:0019625.

Submissions (2):

Color Diagnostics, LLC DBA Color Health
Classification: Uncertain significance for Familial thoracic aortic aneurysm and aortic dissection. Last evaluated: 2024-04-07. Review status: criteria provided, single submitter. Criteria: ACMG Guidelines, 2015. Collection method: clinical testing. Allele origin: germline.
Comment: This missense variant replaces histidine with arginine at codon 1290 of the MYH11 protein. Computational prediction suggests that this variant may not impact protein structure and function (internally defined REVEL score threshold <= 0.5, PMID: 27666373). To our knowledge, functional studies have not been reported for this variant. This variant has not been reported in individuals affected with MYH11-related disorders in the literature. This variant has not been identified in the general population by the Genome Aggregation Database (gnomAD). The available evidence is insufficient to determine the role of this variant in disease conclusively. Therefore, this variant is classified as a Variant of Uncertain Significance.

All of Us Research Program, National Institutes of Health
Classification: Uncertain significance for Familial thoracic aortic aneurysm and aortic dissection. Last evaluated: 2024-03-06. Review status: criteria provided, single submitter. Criteria: ACMG Guidelines, 2015. Collection method: clinical testing. Allele origin: germline. Inheritance: Autosomal dominant inheritance. Observed: 1 variant allele, 1 heterozygote.
Comment: This study involves interpretation of variants in research participants for the purpose of population health screening. Participant phenotype was not available at the time of variant classification. Additional details can be found in publication PMID: 35346344, PMCID: PMC8962531